The following is an entry in ClinVar:

ClinVar aggregate classification (germline): Likely benign. Review status: reviewed by expert panel (3 of 4 stars). 5 submissions from 5 submitters: Likely benign (1). 4 of the submissions do not count toward it. Last evaluated 2023-08-18.

Conditions:
CDH1-related diffuse gastric and lobular breast cancer syndrome. Also called: CDH1-related diffuse gastric and lobular breast cancer. Identifiers: MedGen CN311521, MONDO:0100488.
Hereditary cancer-predisposing syndrome. Also called: Neoplastic Syndromes, Hereditary; Tumor predisposition; Hereditary Cancer Syndrome; Hereditary neoplastic syndrome. Identifiers: Orphanet 140162, MedGen C0027672, MeSH D009386, MONDO:0015356.
Hereditary diffuse gastric adenocarcinoma (HDGC). Also called: DIFFUSE GASTRIC AND LOBULAR BREAST CANCER SYNDROME. Identifiers: Orphanet 26106, MedGen C1708349, MONDO:0007648, OMIM 137215.

Allele frequency attached by ClinVar (database versions not stated): gnomAD exomes 0.00001.
gnomAD v4.1: 9 of 1,532,048 alleles (0.00059%); highest among the groups gnomAD compares: Non-Finnish European, 0.0008%; no homozygotes.

Submissions (5):

Clingen Gastric Cancer Variant Curation Expert Panel
Classification: Likely benign for CDH1-related diffuse gastric and lobular breast cancer syndrome. Last evaluated: 2023-08-18. Review status: reviewed by expert panel. Criteria: ClinGen CDH1 ACMG Specifications V3.1. Collection method: curation. Allele origin: germline. Inheritance: Autosomal dominant inheritance.
Comment: The c.49-9C>A is an intronic variant in the splice acceptor region of intron 1. This variant is absent in the gnomAD cohort (PM2_Supporting). This variant has been reported in at least three individuals without DGC, SRC tumours or LBC and whose families do not suggest HDGC (BS2_Supporting; SCV000729557.1, SCV000760811.1). This variant is predicted to have no impact on splicing by multiple in silico splice site predictors. HumanSpliceFinder predicts that this variant may alter an exonic ESE site, but this effect has not been demonstrated experimentally to our knowledge (BP4). In summary, due to the use of the Bayesian point system for this variant with conflicting evidence, this variant meets criteria to be classified as likely benign based on ACMG/AMP criteria applied as specified by the CDH1 Variant Curation Expert Panel (Variant Interpretation Guidelines Version 3.1): PM2_Supporting, BS2_Supporting, BP4.

Labcorp Genetics (formerly Invitae), Labcorp
Classification: Likely benign for Hereditary diffuse gastric adenocarcinoma. Last evaluated: 2025-01-26. Review status: criteria provided, single submitter. Criteria: Invitae Variant Classification Sherloc (09022015). Collection method: clinical testing. Allele origin: germline. Not counted in ClinVar's aggregate classification.

GeneDx
Classification: Likely benign. Last evaluated: 2018-02-02. Review status: criteria provided, single submitter. Criteria: GeneDx Variant Classification (06012015). Collection method: clinical testing. Allele origin: germline. Affected: yes. Not counted in ClinVar's aggregate classification.
Comment: This variant is considered likely benign or benign based on one or more of the following criteria: it is a conservative change, it occurs at a poorly conserved position in the protein, it is predicted to be benign by multiple in silico algorithms, and/or has population frequency not consistent with disease.

Color Diagnostics, LLC DBA Color Health
Classification: Likely benign for Hereditary cancer-predisposing syndrome. Last evaluated: 2017-10-06. Review status: criteria provided, single submitter. Criteria: ACMG Guidelines, 2015. Collection method: clinical testing. Allele origin: germline. Not counted in ClinVar's aggregate classification.

Department of Pathology and Laboratory Medicine, Sinai Health System
Classification: Uncertain significance for Hereditary diffuse gastric adenocarcinoma. Review status: no assertion criteria provided. Collection method: clinical testing. Allele origin: unknown. Affected: yes. Study: The Canadian Open Genetics Repository (COGR). Not counted in ClinVar's aggregate classification.
Comment: The CDH1 c.49-9C>A variant was not identified in the literature nor was it identified in the dbSNP database. The variant was identified in ClinVar (classified as uncertain significance by Invitae and likely benign by GeneDx). The variant was not identified in the following control databases: the Exome Aggregation Consortium (August 8th 2016), or the Genome Aggregation Database (Feb 27, 2017). The variant occurs at a non-highly conserved nucleotide and 2 out of 4 in silico or computational prediction software programs (SpliceSiteFinder, MaxEntScan, NNSPLICE, GeneSplicer) predict a greater than 10% difference in splicing. In summary, based on the above information the clinical significance of this variant cannot be determined with certainty at this time. This variant is classified as a variant of uncertain significance.

NM_004360.5(CDH1):c.49-9C>A

Gene: CDH1 (cadherin 1; plus strand). Cytogenetic location: 16q22.1.
Variant type: single nucleotide variant.
Coding change: c.49-9C>A on transcript NM_004360.5 (MANE Select); 9 bases into the intron before coding-DNA position 49, C replaced by A.
Molecular consequence: intron variant.
Genome position (GRCh38, 1-based): chr16:68,738,288, C>A. VCF-style: chr16-68738288-C-A. GRCh37 (hg19) VCF-style: chr16-68772191-C-A.
Other names: c.49-9C>A (LRG_301t1, NM_001317184.2); c.-1567-9C>A (NM_001317185.2); c.-1771-9C>A (NM_001317186.2).
Identifiers: ClinVar variation 516511 (VCV000516511.17), dbSNP rs1555509752, ClinGen allele CA658798616.
Genomic context (GRCh38, chr16:68,738,288, plus strand): 5'-TGTTGGTTTCGGTGAGCAGGAGGGAACCCTCCGAGTCACCCGGTTCCATCTACCTTTCCC[C>A]CACCCCAGGTCTCCTCTTGGCTCTGCCAGGAGCCGGAGCCCTGCCACCCTGGCTTTGACG-3'